The following is an entry in ClinVar:

NM_018671.5(UNC45A):c.653C>A (p.Thr218Lys)

Gene: UNC45A (unc-45 myosin chaperone A; plus strand). Cytogenetic location: 15q26.1.
Variant type: single nucleotide variant.
Coding change: c.653C>A on transcript NM_018671.5 (MANE Select); coding-DNA position 653, C replaced by A.
Protein change: p.Thr218Lys; replaces threonine 218 with lysine.
Molecular consequence: missense variant.
Genome position (GRCh38, 1-based): chr15:90,940,439, C>A. VCF-style: chr15-90940439-C-A. GRCh37 (hg19) VCF-style: chr15-91483669-C-A.
Other names: c.608C>A, p.Thr203Lys (NM_001039675.2, NM_001323621.2); c.653C>A, p.Thr218Lys (NM_001323619.1); c.218C>A, p.Thr73Lys (NM_001323620.2); short protein forms T218K, T73K, T203K.
Identifiers: ClinVar variation 2127410 (VCV002127410.4), dbSNP rs772800749, ClinGen allele CA7742613.
Genomic context (GRCh38, chr15:90,940,439, plus strand): 5'-AGCTCTTGCAACGTTTACTGGACATGGGAGAGACTGACCTCATGCTGGCGGCTCTGCGTA[C>A]GCTGGTTGGCATTTGCTCTGAGCATCAGTCACGGGTAGGTGGAGTGGAGAGGCTGGTTAC-3'
Protein context (NP_061141.2, residues 208-228): ETDLMLAALR[Thr218Lys]LVGICSEHQS

ClinVar aggregate classification (germline): Uncertain significance (1 of 4 stars; one submission).

Submission:

Labcorp Genetics (formerly Invitae), Labcorp
Classification: Uncertain significance. Last evaluated: 2022-04-17. Review status: criteria provided, single submitter. Criteria: Invitae Variant Classification Sherloc (09022015). Collection method: clinical testing. Allele origin: germline.
Comment: In summary, the available evidence is currently insufficient to determine the role of this variant in disease. Therefore, it has been classified as a Variant of Uncertain Significance. Algorithms developed to predict the effect of sequence changes on RNA splicing suggest that this variant may create or strengthen a splice site. Algorithms developed to predict the effect of missense changes on protein structure and function are either unavailable or do not agree on the potential impact of this missense change (SIFT: "Not Available"; PolyPhen-2: "Possibly Damaging"; Align-GVGD: "Not Available"). This variant has not been reported in the literature in individuals affected with UNC45A-related conditions. This variant is present in population databases (rs772800749, gnomAD 0.004%). This sequence change replaces threonine, which is neutral and polar, with lysine, which is basic and polar, at codon 218 of the UNC45A protein (p.Thr218Lys).